The following is an entry in ClinVar:

NM_000540.3(RYR1):c.14129+1G>A

Gene: RYR1 (ryanodine receptor 1; plus strand). Cytogenetic location: 19q13.2.
Variant type: single nucleotide variant.
Coding change: c.14129+1G>A on transcript NM_000540.3 (MANE Select); the canonical splice donor site of the intron after coding-DNA position 14129, G replaced by A.
Molecular consequence: splice donor variant.
Genome position (GRCh38, 1-based): chr19:38,573,308, G>A. VCF-style: chr19-38573308-G-A. GRCh37 (hg19) VCF-style: chr19-39063948-G-A.
Other names: c.14114+1G>A (NM_001042723.2).
Identifiers: ClinVar variation 449641 (VCV000449641.20), dbSNP rs142929172, ClinGen allele CA060836.

ClinVar aggregate classification (germline): Pathogenic/Likely pathogenic. Review status: criteria provided, multiple submitters, no conflicts (2 of 4 stars). 7 submissions from 7 submitters: Pathogenic (2); Likely pathogenic (4). 1 of the submissions does not count toward it. Last evaluated 2026-08-18.

Conditions:
Congenital myopathy with fiber type disproportion. Also called: Congenital fiber-type disproportion myopathy; Congenital fiber-type disproportion. Identifiers: Orphanet 2020, MedGen C0546264, MONDO:0009711. Inheritance: all.
King Denborough syndrome (KDS). Identifiers: MedGen C1840365, MONDO:0020485, OMIM 619542.
Central core myopathy (CMYO1A). Also called: Central core disease; Myopathy, central fibrillar; CONGENITAL MYOPATHY 1A, AUTOSOMAL DOMINANT, WITH SUSCEPTIBILITY TO MALIGNANT HYPERTHERMIA. Identifiers: Orphanet 597, MedGen C5830701, MONDO:0007294, OMIM 117000.
Congenital multicore myopathy with external ophthalmoplegia (CMYO1B). Also called: Congenital myopathy 1B, autosomal recessive; Minicore myopathy; MULTIMINICORE DISEASE WITH EXTERNAL OPHTHALMOPLEGIA; MULTICORE MYOPATHY; Minicore myopathy with external ophthalmoplegia. Identifiers: Orphanet 598, Orphanet 98905, MedGen C1850674, MONDO:0009712, OMIM 255320, HP:0003789.
Malignant hyperthermia, susceptibility to, 1 (MHS1). Also called: Malignant hyperthermia suceptibility 1; Anesthesia related hyperthermia; Malignant hyperpyrexia; Fulminating hyperpyrexia; Pharmacogenic myopathy; RYR1-Related Malignant Hyperthermia Susceptibility. Identifiers: Orphanet 423, MedGen C2930980, MONDO:0007783, OMIM 145600.
RYR1-related disorder. Also called: RYR1-related condition; RYR1-related disorders. Identifiers: MedGen CN239331.

Allele frequency attached by ClinVar (database versions not stated): ExAC 0.00005; gnomAD 0.00001; TOPMed 0.00002; gnomAD exomes 0.00002 and 0.00001; ESP Exome Variant Server 0.00015.
gnomAD v4.1: 11 of 1,612,762 alleles (0.00068%); highest among the groups gnomAD compares: African/African-American, 0.0067%; no homozygotes.

Submissions (8):

GeneDx
Classification: Pathogenic. Last evaluated: 2026-08-18. Review status: criteria provided, single submitter. Criteria: GeneDx Variant Classification Process June 2021. Collection method: clinical testing. Allele origin: germline.
Comment: Canonical splice site variant predicted to result in a null allele in a gene for which loss of function is a known mechanism of disease; Reported as a de novo variant in a fetus with growth measurements below the fifth percentile and a right superior vena cava with left branch (PMID: 40832109); This variant is associated with the following publications: (PMID: 40832109)

Labcorp Genetics (formerly Invitae), Labcorp
Classification: Likely pathogenic for RYR1-related disorder. Last evaluated: 2025-10-18. Review status: criteria provided, single submitter. Criteria: Invitae Variant Classification Sherloc (09022015). Collection method: clinical testing. Allele origin: germline.
Comment: This sequence change affects a donor splice site in intron 96 of the RYR1 gene. It is expected to disrupt RNA splicing. Variants that disrupt the donor or acceptor splice site typically lead to a loss of protein function (PMID: 16199547), and loss-of-function variants in RYR1 are known to be pathogenic (PMID: 23919265, 25960145, 28818389, 30611313). This variant is present in population databases (rs142929172, gnomAD 0.03%). This variant has not been reported in the literature in individuals affected with RYR1-related conditions. ClinVar contains an entry for this variant (Variation ID: 449641). Algorithms developed to predict the effect of sequence changes on RNA splicing suggest that this variant may disrupt the consensus splice site. In summary, the currently available evidence indicates that the variant is pathogenic, but additional data are needed to prove that conclusively. Therefore, this variant has been classified as Likely Pathogenic.

Genomic Medicine Center of Excellence, King Faisal Specialist Hospital and Research Centre
Classification: Pathogenic for Central core myopathy. Last evaluated: 2025-09-10. Review status: criteria provided, single submitter. Criteria: ACMG Guidelines, 2015. Collection method: clinical testing. Allele origin: germline.

Revvity Omics, Revvity
Classification: Likely pathogenic. Last evaluated: 2022-04-05. Review status: criteria provided, single submitter. Criteria: ACMG Guidelines, 2015. Collection method: clinical testing. Allele origin: germline.

Fulgent Genetics
Classification: Likely pathogenic for Central core myopathy; Malignant hyperthermia, susceptibility to, 1; Congenital myopathy 4A, autosomal dominant; Congenital multicore myopathy with external ophthalmoplegia; King Denborough syndrome. Last evaluated: 2021-07-07. Review status: criteria provided, single submitter. Criteria: ACMG Guidelines, 2015. Collection method: clinical testing. Allele origin: unknown.

Juno Genomics, Hangzhou Juno Genomics, Inc
Classification: Likely pathogenic for Congenital multicore myopathy with external ophthalmoplegia. Review status: criteria provided, single submitter. Criteria: ACMG Guidelines, 2015. Collection method: clinical testing. Allele origin: germline. Affected: yes.
Comment: Null variant in a gene where loss of function (LOF) is a known mechanism of disease.

Dr. Peter K. Rogan Lab, Western University
No classification provided (evidence only). Condition: Uterine corpus endometrial carcinoma. Review status: no classification provided. Collection method: in vitro. Allele origin: not applicable. Functional consequence: retained intron. Not counted in ClinVar's aggregate classification.

Color Diagnostics, LLC DBA Color Health
Classification: Uncertain significance for Malignant hyperthermia, susceptibility to, 1. Last evaluated: 2025-06-02. Review status: flagged submission. Criteria: ACMG Guidelines, 2015. Collection method: clinical testing. Allele origin: germline. Not counted in ClinVar's aggregate classification.
Comment: This variant results in a G to A substitution at +1 position in intron 96 of the RYR1 gene. To our knowledge, functional studies have not been reported for this variant. This variant has not been reported in individuals affected with RYR1-related disorders in the literature. This variant has been identified in 7/280606 chromosomes in the general population by the Genome Aggregation Database (gnomAD). Loss of RYR1 function due to haploinsufficiency is associated with congenital myopathy, but it is not an established disease mechanism for autosomal dominant malignant hyperthermia susceptibility. Therefore, this variant is classified as a Variant of Uncertain Significance for malignant hyperthermia susceptibility.
ClinVar note: Reason: Outlier claim with insufficient supporting evidence

Literature cited by the submitters: PubMed 16199547 (cited by Labcorp Genetics (formerly Invitae), Labcorp); PubMed 23919265 (cited by Labcorp Genetics (formerly Invitae), Labcorp); PubMed 25960145 (cited by Labcorp Genetics (formerly Invitae), Labcorp); PubMed 28818389 (cited by Labcorp Genetics (formerly Invitae), Labcorp); PubMed 30611313 (cited by Labcorp Genetics (formerly Invitae), Labcorp).